The following is an entry in ClinVar:

ClinVar aggregate classification (germline): Uncertain significance (1 of 4 stars; one submission).

Conditions:
Mitochondrial complex II deficiency, nuclear type 1. Also called: SUCCINATE CoQ REDUCTASE DEFICIENCY. Identifiers: Orphanet 3208, MedGen C5700310, MONDO:0100294, OMIM 252011.
Pheochromocytoma/paraganglioma syndrome 5. Also called: Paragangliomas 5; SDHA-Related Hereditary Paraganglioma-Pheochromocytoma Syndrome. Identifiers: Orphanet 29072, MedGen C3279992, MONDO:0013602, OMIM 614165.

Submission:

Labcorp Genetics (formerly Invitae), Labcorp
Classification: Uncertain significance for Pheochromocytoma/paraganglioma syndrome 5; Mitochondrial complex II deficiency, nuclear type 1. Last evaluated: 2022-11-17. Review status: criteria provided, single submitter. Criteria: Invitae Variant Classification Sherloc (09022015). Collection method: clinical testing. Allele origin: germline.
Comment: Advanced modeling of protein sequence and biophysical properties (such as structural, functional, and spatial information, amino acid conservation, physicochemical variation, residue mobility, and thermodynamic stability) performed at Invitae indicates that this missense variant is not expected to disrupt SDHA protein function. This variant has not been reported in the literature in individuals affected with SDHA-related conditions. This variant is not present in population databases (gnomAD no frequency). This sequence change replaces phenylalanine, which is neutral and non-polar, with leucine, which is neutral and non-polar, at codon 33 of the SDHA protein (p.Phe33Leu). In summary, the available evidence is currently insufficient to determine the role of this variant in disease. Therefore, it has been classified as a Variant of Uncertain Significance.

NM_004168.4(SDHA):c.97T>C (p.Phe33Leu)

Gene: SDHA (succinate dehydrogenase complex flavoprotein subunit A; plus strand). Cytogenetic location: 5p15.33.
Variant type: single nucleotide variant.
Coding change: c.97T>C on transcript NM_004168.4 (MANE Select); coding-DNA position 97, T replaced by C.
Protein change: p.Phe33Leu; replaces phenylalanine 33 with leucine.
Molecular consequence: missense variant.
Genome position (GRCh38, 1-based): chr5:223,515, T>C. VCF-style: chr5-223515-T-C. GRCh37 (hg19) VCF-style: chr5-223630-T-C.
Other names: c.97T>C, p.Phe33Leu (NM_001294332.2, NM_001330758.2); short protein forms F33L.
Identifiers: ClinVar variation 2941632 (VCV002941632.3), dbSNP rs1061518, ClinGen allele CA359008126.